The following is an entry in ClinVar:

NM_001351132.2(PEX5):c.137_147+122dup

Gene: PEX5 (peroxisomal biogenesis factor 5; plus strand). Cytogenetic location: 12p13.31.
Variant type: Duplication.
Coding change: c.137_147+122dup on transcript NM_001351132.2 (MANE Select); coding-DNA position 137 through 122 bases into the intron after coding-DNA position 147, 133 bases duplicated.
Molecular consequence: splice donor variant.
Genome position (GRCh38, 1-based): chr12:7,190,514-7,190,646, 133 bases duplicated. GRCh37 (hg19): chr12:7,343,110-7,343,242.
Other names: c.137_147+122dup (NM_001351124.3, NM_001131026.2, NM_001351131.2 and 19 more transcripts); c.137_192+77dup (NM_001351135.3, NM_001131023.2, NM_001351138.2).
Identifiers: ClinVar variation 3643012 (VCV003643012.2).

ClinVar aggregate classification (germline): Uncertain significance (1 of 4 stars; one submission).

Conditions:
Peroxisome biogenesis disorder 2B (PBD2B). Identifiers: Orphanet 44, MedGen C3550234, MONDO:0008736, OMIM 202370.

Submission:

Labcorp Genetics (formerly Invitae), Labcorp
Classification: Uncertain significance for Peroxisome biogenesis disorder 2B. Last evaluated: 2024-07-19. Review status: criteria provided, single submitter. Criteria: Invitae Variant Classification Sherloc (09022015). Collection method: clinical testing. Allele origin: germline.
Comment: This sequence change falls in intron 2 of the PEX5 gene. It does not directly change the encoded amino acid sequence of the PEX5 protein. This variant is not present in population databases (gnomAD no frequency). This variant has not been reported in the literature in individuals affected with PEX5-related conditions. Experimental studies and prediction algorithms are not available or were not evaluated, and the effect of this variant on mRNA splicing is currently unknown. In summary, the available evidence is currently insufficient to determine the role of this variant in disease. Therefore, it has been classified as a Variant of Uncertain Significance.